The following is an entry in ClinVar:

NM_153717.3(EVC):c.2368G>A (p.Val790Met)

Gene: EVC (EvC ciliary complex subunit 1; plus strand). Cytogenetic location: 4p16.2.
Variant type: single nucleotide variant.
Coding change: c.2368G>A on transcript NM_153717.3 (MANE Select); coding-DNA position 2368, G replaced by A.
Protein change: p.Val790Met; replaces valine 790 with methionine.
Molecular consequence: missense variant.
Genome position (GRCh38, 1-based): chr4:5,802,013, G>A. VCF-style: chr4-5802013-G-A. GRCh37 (hg19) VCF-style: chr4-5803740-G-A.
Other names: c.2368G>A (NM_153717.2); c.2368G>A, p.Val790Met (NM_001306090.2); short protein forms V790M.
Identifiers: ClinVar variation 2193548 (VCV002193548.2), dbSNP rs749975914, ClinGen allele CA2836477.

ClinVar aggregate classification (germline): Uncertain significance. Review status: criteria provided, multiple submitters, no conflicts (2 of 4 stars). 2 submissions from 2 submitters: Uncertain significance (2). Last evaluated 2022-08-24.

Conditions:
Ellis-van Creveld syndrome (EVC). Also called: EVC-Related Ellis-van Creveld Syndrome; EVC2-Related Ellis-van Creveld Syndrome; Chondroectodermal dysplasia; MESOECTODERMAL DYSPLASIA. Identifiers: Orphanet 289, MedGen C0013903, MONDO:0009162, OMIM 225500.
Curry-Hall syndrome (WAD). Also called: WEYERS ACRODENTAL DYSOSTOSIS. Identifiers: Orphanet 952, MedGen C0457013, MONDO:0008673, OMIM 193530.

Allele frequency attached by ClinVar (database versions not stated): gnomAD exomes below 0.00001; ExAC 0.00002; TOPMed 0.00004; gnomAD 0.00005.
gnomAD v4.1: 16 of 1,614,080 alleles (0.00099%); highest among the groups gnomAD compares: Middle Eastern, 0.016%; no homozygotes.

Submissions (2):

GeneDx
Classification: Uncertain significance. Last evaluated: 2022-08-24. Review status: criteria provided, single submitter. Criteria: GeneDx Variant Classification Process June 2021. Collection method: clinical testing. Allele origin: germline. Affected: yes.
Comment: In silico analysis supports that this missense variant does not alter protein structure/function; Has not been previously published as pathogenic or benign to our knowledge

Labcorp Genetics (formerly Invitae), Labcorp
Classification: Uncertain significance for Curry-Hall syndrome; Ellis-van Creveld syndrome. Last evaluated: 2022-03-20. Review status: criteria provided, single submitter. Criteria: Invitae Variant Classification Sherloc (09022015). Collection method: clinical testing. Allele origin: germline.
Comment: This sequence change replaces valine, which is neutral and non-polar, with methionine, which is neutral and non-polar, at codon 790 of the EVC protein (p.Val790Met). This variant is present in population databases (rs749975914, gnomAD 0.02%). This variant has not been reported in the literature in individuals affected with EVC-related conditions. Algorithms developed to predict the effect of missense changes on protein structure and function are either unavailable or do not agree on the potential impact of this missense change (SIFT: "Deleterious"; PolyPhen-2: "Probably Damaging"; Align-GVGD: "Class C0"). In summary, the available evidence is currently insufficient to determine the role of this variant in disease. Therefore, it has been classified as a Variant of Uncertain Significance.